The following is an entry in ClinVar:

ClinVar aggregate classification (germline): Uncertain significance (1 of 4 stars; one submission).

gnomAD v4.1: 2 of 1,613,876 alleles (0.00012%); highest among the groups gnomAD compares: Admixed American, 0.0017%; no homozygotes.

Submission:

Labcorp Genetics (formerly Invitae), Labcorp
Classification: Uncertain significance. Last evaluated: 2021-08-09. Review status: criteria provided, single submitter. Criteria: Invitae Variant Classification Sherloc (09022015). Collection method: clinical testing. Allele origin: germline.
Comment: This sequence change replaces glutamic acid with aspartic acid at codon 513 of the C6 protein (p.Glu513Asp). The glutamic acid residue is moderately conserved and there is a small physicochemical difference between glutamic acid and aspartic acid. This variant is not present in population databases (ExAC no frequency). This variant has not been reported in the literature in individuals affected with C6-related conditions. Algorithms developed to predict the effect of missense changes on protein structure and function output the following: SIFT: "Deleterious"; PolyPhen-2: "Benign"; Align-GVGD: "Class C0". The aspartic acid amino acid residue is found in multiple mammalian species, which suggests that this missense change does not adversely affect protein function. In summary, the available evidence is currently insufficient to determine the role of this variant in disease. Therefore, it has been classified as a Variant of Uncertain Significance.

NM_000065.5(C6):c.1539G>C (p.Glu513Asp)

Gene: C6 (complement C6; minus strand). Cytogenetic location: 5p13.1.
Variant type: single nucleotide variant.
Coding change: c.1539G>C on transcript NM_000065.5 (MANE Select); coding-DNA position 1539, G replaced by C.
Protein change: p.Glu513Asp; replaces glutamic acid 513 with aspartic acid.
Molecular consequence: missense variant.
Genome position (GRCh38, 1-based): chr5:41,160,287, C>G on the plus strand (G>C on the coding strand, the complement: C6 is on the minus strand). VCF-style: chr5-41160287-C-G. GRCh37 (hg19) VCF-style: chr5-41160389-C-G.
Other names: c.1539G>C, p.Glu513Asp (NM_001115131.4); short protein forms E513D.
Identifiers: ClinVar variation 1508379 (VCV001508379.6), dbSNP rs2150266129, ClinGen allele CA359597901.